The following is an entry in ClinVar:

NM_000059.4(BRCA2):c.2793A>G (p.Gly931=)

Gene: BRCA2 (BRCA2 DNA repair associated; plus strand). Cytogenetic location: 13q13.1.
Variant type: single nucleotide variant.
Coding change: c.2793A>G on transcript NM_000059.4 (MANE Select); coding-DNA position 2793, A replaced by G.
Protein change: p.Gly931=; no amino-acid change (glycine 931 retained).
Molecular consequence: synonymous variant.
Genome position (GRCh38, 1-based): chr13:32,337,148, A>G. VCF-style: chr13-32337148-A-G. GRCh37 (hg19) VCF-style: chr13-32911285-A-G.
Identifiers: ClinVar variation 184175 (VCV000184175.10), dbSNP rs786201315, ClinGen allele CA016378.

ClinVar aggregate classification (germline): Likely benign. Review status: reviewed by expert panel (3 of 4 stars). 3 submissions from 3 submitters: Likely benign (1). 2 of the submissions do not count toward it. Last evaluated 2017-06-29.

Conditions:
Hereditary cancer-predisposing syndrome. Also called: Tumor predisposition; Hereditary Cancer Syndrome; Hereditary neoplastic syndrome; Neoplastic Syndromes, Hereditary. Identifiers: Orphanet 140162, MedGen C0027672, MeSH D009386, MONDO:0015356.
Hereditary breast ovarian cancer syndrome. Also called: Breast and ovarian cancer; Hereditary breast and ovarian cancer syndrome; Hereditary breast and ovarian cancer; BRCA1- and BRCA2-Associated Hereditary Breast and Ovarian Cancer; Hereditary breast and ovarian cancer syndrome (HBOC); Hereditary breast and/or ovarian cancer syndrome. Identifiers: Orphanet 145, MedGen C0677776, MeSH D061325, MONDO:0003582. Disease mechanism: loss of function.
Breast-ovarian cancer, familial, susceptibility to, 2 (BROVCA2). Also called: BRCA2 Hereditary Breast and Ovarian Cancer. Identifiers: Orphanet 145, MedGen C2675520, MONDO:0012933, OMIM 612555. Disease mechanism: loss of function.

Submissions (3):

Evidence-based Network for the Interpretation of Germline Mutant Alleles (ENIGMA)
Classification: Likely benign for Breast-ovarian cancer, familial, susceptibility to, 2. Last evaluated: 2017-06-29. Review status: reviewed by expert panel. Criteria: ENIGMA BRCA1/2 Classification Criteria (2017-06-29). Collection method: curation. Allele origin: germline.
Comment: Synonymous substitution variant, with low bioinformatic likelihood to result in a splicing aberration (Splicing prior probability 0.02).

Labcorp Genetics (formerly Invitae), Labcorp
Classification: Likely benign for Hereditary breast ovarian cancer syndrome. Last evaluated: 2023-06-02. Review status: criteria provided, single submitter. Criteria: Invitae Variant Classification Sherloc (09022015). Collection method: clinical testing. Allele origin: germline. Not counted in ClinVar's aggregate classification.

Ambry Genetics
Classification: Likely benign for Hereditary cancer-predisposing syndrome. Last evaluated: 2014-02-19. Review status: criteria provided, single submitter. Criteria: Ambry Autosomal Dominant and X-Linked criteria (10/2015). Collection method: clinical testing. Allele origin: germline. Observed: 1 variant allele. Not counted in ClinVar's aggregate classification.